The following is an entry in ClinVar:

ClinVar aggregate classification (germline): Likely benign (1 of 4 stars; one submission).

Conditions:
DYRK1B-related disorder. Also called: DYRK1B-related condition.

gnomAD v4.1: 15 of 1,569,994 alleles (0.00096%); highest among the groups gnomAD compares: Admixed American, 0.0019%; no homozygotes.

Submission:

PreventionGenetics, part of Exact Sciences
Classification: Likely benign for DYRK1B-related condition. Last evaluated: 2026-05-01. Review status: criteria provided, single submitter. Criteria: ACMG Guidelines, 2015. Collection method: clinical testing. Allele origin: germline.
Comment: This variant is classified as likely benign based on ACMG/AMP sequence variant interpretation guidelines (Richards et al. 2015 PMID: 25741868, with internal and published modifications).

NM_004714.3(DYRK1B):c.1308C>T (p.Asp436=)

Gene: DYRK1B (dual specificity tyrosine phosphorylation regulated kinase 1B; minus strand). Cytogenetic location: 19q13.2.
Variant type: single nucleotide variant.
Coding change: c.1308C>T on transcript NM_004714.3 (MANE Select); coding-DNA position 1308, C replaced by T.
Protein change: p.Asp436=; no amino-acid change (aspartic acid 436 retained).
Molecular consequence: synonymous variant.
Genome position (GRCh38, 1-based): chr19:39,826,775, G>A on the plus strand (C>T on the coding strand, the complement: DYRK1B is on the minus strand). VCF-style: chr19-39826775-G-A. GRCh37 (hg19) VCF-style: chr19-40317415-G-A.
Other names: c.1188C>T, p.Asp396= (NM_006483.3); c.1224C>T, p.Asp408= (NM_006484.3).
Identifiers: ClinVar variation 4981865 (VCV004981865.1).